The following is an entry in ClinVar:

ClinVar aggregate classification (germline): Conflicting classifications of pathogenicity. Review status: criteria provided, conflicting classifications (1 of 4 stars). 3 submissions from 3 submitters: Uncertain significance (1); Benign (1); Likely benign (1). Last evaluated 2026-01-11.

Conditions:
Tuberous sclerosis syndrome (TSC). Also called: Tuberous Sclerosis Complex; Tuberous sclerosis. Identifiers: Orphanet 805, MedGen C0041341, MONDO:0001734.
Tuberous sclerosis 2 (TSC2). Identifiers: Orphanet 805, MedGen C1860707, MONDO:0013199, OMIM 613254.
Hereditary cancer-predisposing syndrome. Also called: Hereditary neoplastic syndrome; Neoplastic Syndromes, Hereditary; Tumor predisposition; Hereditary Cancer Syndrome. Identifiers: Orphanet 140162, MedGen C0027672, MeSH D009386, MONDO:0015356.

Allele frequency attached by ClinVar (database versions not stated): ExAC 0.00002; gnomAD exomes 0.00002; ESP Exome Variant Server 0.00008.
gnomAD v4.1: 29 of 1,608,686 alleles (0.0018%); highest among the groups gnomAD compares: Middle Eastern, 0.017%; no homozygotes.

Submissions (3):

Labcorp Genetics (formerly Invitae), Labcorp
Classification: Benign for Tuberous sclerosis 2. Last evaluated: 2026-01-11. Review status: criteria provided, single submitter. Criteria: Invitae Variant Classification Sherloc (09022015). Collection method: clinical testing. Allele origin: germline.

All of Us Research Program, National Institutes of Health
Classification: Uncertain significance for Tuberous sclerosis syndrome. Last evaluated: 2024-04-25. Review status: criteria provided, single submitter. Criteria: ACMG Guidelines, 2015. Collection method: clinical testing. Allele origin: germline. Inheritance: Autosomal dominant inheritance. Observed: 2 variant alleles, 2 heterozygotes.
Comment: This missense variant replaces serine with leucine at codon 1431 of the TSC2 protein. Computational prediction suggests that this variant may not impact protein structure and function (internally defined REVEL score threshold <= 0.5, PMID: 27666373). To our knowledge, functional studies have not been reported for this variant. This variant has not been reported in individuals affected with tuberous sclerosis complex in the literature. This variant has been identified in 4/236876 chromosomes in the general population by the Genome Aggregation Database (gnomAD). The available evidence is insufficient to determine the role of this variant in disease conclusively. Therefore, this variant is classified as a Variant of Uncertain Significance.

This study involves interpretation of variants in research participants for the purpose of population health screening. Participant phenotype was not available at the time of variant classification. Additional details can be found in publication PMID: 35346344, PMCID: PMC8962531

Ambry Genetics
Classification: Likely benign for Hereditary cancer-predisposing syndrome. Last evaluated: 2022-11-30. Review status: criteria provided, single submitter. Criteria: Ambry Variant Classification Scheme 2023. Collection method: clinical testing. Allele origin: germline.

NM_000548.5(TSC2):c.4292C>T (p.Ser1431Leu)

Gene: TSC2 (TSC complex subunit 2; plus strand). Cytogenetic location: 16p13.3.
Variant type: single nucleotide variant.
Coding change: c.4292C>T on transcript NM_000548.5 (MANE Select); coding-DNA position 4292, C replaced by T.
Protein change: p.Ser1431Leu; replaces serine 1431 with leucine.
Molecular consequence: missense variant.
Genome position (GRCh38, 1-based): chr16:2,084,514, C>T. VCF-style: chr16-2084514-C-T. GRCh37 (hg19) VCF-style: chr16-2134515-C-T.
Other names: c.4163C>T, p.Ser1388Leu (NM_021055.3, NM_001370405.1); c.4091C>T, p.Ser1364Leu (NM_001077183.3); c.4223C>T, p.Ser1408Leu (NM_001114382.3); c.3983C>T, p.Ser1328Leu (NM_001318827.2); c.3947C>T, p.Ser1316Leu (NM_001318829.2); c.3560C>T, p.Ser1187Leu (NM_001318831.2); c.4124C>T, p.Ser1375Leu (NM_001318832.2); c.4094C>T, p.Ser1365Leu (NM_001363528.2); and 1 more; short protein forms S1431L, S1187L, S1408L, S1316L, S1364L, S1328L, S1365L, S1375L.
Identifiers: ClinVar variation 468077 (VCV000468077.16), dbSNP rs375785710, ClinGen allele CA050780.